The following is an entry in ClinVar:

NC_000001.11:g.(?_99921524)_(99921661_?)del

Gene: AGL (amylo-alpha-1,6-glucosidase and 4-alpha-glucanotransferase; plus strand). Cytogenetic location: 1p21.2.
Variant type: Deletion.
Identifiers: ClinVar variation 832643 (VCV000832643.1).

ClinVar aggregate classification (germline): Likely pathogenic (1 of 4 stars; one submission).

Conditions:
Glycogen storage disease type III (GSD3). Also called: FORBES DISEASE; Cori disease. Identifiers: Orphanet 366, MedGen C0017922, MONDO:0009291, OMIM 232400.

Submission:

Labcorp Genetics (formerly Invitae), Labcorp
Classification: Likely pathogenic for Glycogen storage disease type III. Last evaluated: 2019-10-01. Review status: criteria provided, single submitter. Criteria: Invitae Variant Classification Sherloc (09022015). Collection method: clinical testing. Allele origin: germline.
Comment: This variant is a sub-genic deletion of the genomic region encompassing exons 34 of the AGL gene. While this deletion is not anticipated to result in nonsense mediated decay, it is expected to create a truncated protein product. This variant has been observed in individual(s) with glycogen storage disease type III (Invitae). In at least one individual the data is consistent with the variant being in trans (on the opposite chromosome) from a pathogenic variant. In summary, the currently available evidence indicates that the variant is pathogenic, but additional data are needed to prove that conclusively. Therefore, this variant has been classified as Likely Pathogenic.